The following is an entry in ClinVar:

ClinVar aggregate classification (germline): Likely pathogenic (1 of 4 stars; one submission).

Conditions:
SETD2-related disorder.

Submission:

Greenwood Genetic Center Diagnostic Laboratories, Greenwood Genetic Center
Classification: Likely pathogenic for SETD2-related disorder. Last evaluated: 2024-03-15. Review status: criteria provided, single submitter. Criteria: ACMG Guidelines, 2015. Collection method: clinical testing. Allele origin: germline. Affected: yes.
Comment: PVS1, PM2

NM_014159.7(SETD2):c.883_886del (p.Ser295fs)

Gene: SETD2 (SET domain containing 2, histone lysine methyltransferase; minus strand). Cytogenetic location: 3p21.31.
Variant type: Deletion.
Coding change: c.883_886del on transcript NM_014159.7 (MANE Select); coding-DNA positions 883 to 886, 4 bases deleted (AGTT; older notation c.883_886delAGTT).
Protein change: p.Ser295fs; shifts the reading frame from serine 295.
Molecular consequence: frameshift variant. On other transcripts: non-coding transcript variant (1).
Genome position (GRCh38, 1-based): chr3:47,123,750-47,123,753, AACT deleted on the plus strand (AGTT on the coding strand, the reverse complement: SETD2 is on the minus strand); deleting any 4 consecutive bases within chr3:47,123,750-47,123,754 gives the same sequence; the c. name uses the placement nearest the transcript's 3' end. VCF-style (leftmost placement, unchanged base first): chr3-47123749-GAACT-G. GRCh37 (hg19) VCF-style: chr3-47165239-GAACT-G.
Other names: c.751_754del, p.Ser251fs (NM_001349370.3); c.882_885delTAGT, p.Ser295Leufs (NM_014159.6); short protein forms S251fs, S295fs.
Identifiers: ClinVar variation 3235795 (VCV003235795.1), dbSNP rs2545648723, ClinGen allele CA2825001248.